The following is an entry in ClinVar:

NM_002317.7(LOX):c.803G>C (p.Arg268Thr)

Genes: LOX (lysyl oxidase; minus strand), SRFBP1 (serum response factor binding protein 1; plus strand). Cytogenetic location: 5q23.1.
Variant type: single nucleotide variant.
Coding change: c.803G>C on transcript NM_002317.7 (MANE Select); coding-DNA position 803, G replaced by C.
Protein change: p.Arg268Thr; replaces arginine 268 with threonine.
Molecular consequence: missense variant. On other transcripts: 5 prime UTR variant (1).
Genome position (GRCh38, 1-based): chr5:122,075,479, C>G on the plus strand (G>C on the coding strand, the complement: LOX is on the minus strand). VCF-style: chr5-122075479-C-G. GRCh37 (hg19) VCF-style: chr5-121411174-C-G.
Other names: c.113G>C, p.Arg38Thr (NM_001178102.2); c.-89G>C (NM_001317073.1); short protein forms R268T, R38T.
Identifiers: ClinVar variation 3721176 (VCV003721176.2).

ClinVar aggregate classification (germline): Uncertain significance (1 of 4 stars; one submission).

Submission:

Labcorp Genetics (formerly Invitae), Labcorp
Classification: Uncertain significance. Last evaluated: 2024-11-24. Review status: criteria provided, single submitter. Criteria: Invitae Variant Classification Sherloc (09022015). Collection method: clinical testing. Allele origin: germline.
Comment: This sequence change replaces arginine, which is basic and polar, with threonine, which is neutral and polar, at codon 268 of the LOX protein (p.Arg268Thr). This variant is not present in population databases (gnomAD no frequency). This variant has not been reported in the literature in individuals affected with LOX-related conditions. Invitae Evidence Modeling of protein sequence and biophysical properties (such as structural, functional, and spatial information, amino acid conservation, physicochemical variation, residue mobility, and thermodynamic stability) has been performed for this missense variant. However, the output from this modeling did not meet the statistical confidence thresholds required to predict the impact of this variant on LOX protein function. In summary, the available evidence is currently insufficient to determine the role of this variant in disease. Therefore, it has been classified as a Variant of Uncertain Significance.